The following is an entry in ClinVar:

ClinVar aggregate classification (germline): Uncertain significance (1 of 4 stars; one submission).

Conditions:
Nephronophthisis. Also called: Juvenile Nephronophthisis. Identifiers: Orphanet 655, MedGen C0687120, MONDO:0019005, HP:0000090.

Allele frequency attached by ClinVar (database versions not stated): gnomAD exomes 0.00001 and 0.00003; TOPMed 0.00001; ExAC 0.00002.
gnomAD v4.1: 10 of 1,599,160 alleles (0.00063%); highest among the groups gnomAD compares: Admixed American, 0.005%; no homozygotes.

Submission:

Labcorp Genetics (formerly Invitae), Labcorp
Classification: Uncertain significance for Nephronophthisis. Last evaluated: 2021-10-08. Review status: criteria provided, single submitter. Criteria: Invitae Variant Classification Sherloc (09022015). Collection method: clinical testing. Allele origin: germline.
Comment: This sequence change replaces leucine with proline at codon 207 of the IQCB1 protein (p.Leu207Pro). The leucine residue is highly conserved and there is a moderate physicochemical difference between leucine and proline. This variant is present in population databases (rs764639627, ExAC 0.003%). This variant has not been reported in the literature in individuals affected with IQCB1-related conditions. Algorithms developed to predict the effect of missense changes on protein structure and function (SIFT, PolyPhen-2, Align-GVGD) all suggest that this variant is likely to be disruptive. In summary, the available evidence is currently insufficient to determine the role of this variant in disease. Therefore, it has been classified as a Variant of Uncertain Significance.

NM_001023570.4(IQCB1):c.620T>C (p.Leu207Pro)

Gene: IQCB1 (IQ motif containing B1; minus strand). Cytogenetic location: 3q13.33.
Variant type: single nucleotide variant.
Coding change: c.620T>C on transcript NM_001023570.4 (MANE Select); coding-DNA position 620, T replaced by C.
Protein change: p.Leu207Pro; replaces leucine 207 with proline.
Molecular consequence: missense variant. On other transcripts: non-coding transcript variant (1), intron variant (1).
Genome position (GRCh38, 1-based): chr3:121,799,342, A>G on the plus strand (T>C on the coding strand, the complement: IQCB1 is on the minus strand). VCF-style: chr3-121799342-A-G. GRCh37 (hg19) VCF-style: chr3-121518189-A-G.
Other names: c.620T>C, p.Leu207Pro (NM_001319107.2); c.587+8002T>C (NM_001023571.4); short protein forms L207P.
Identifiers: ClinVar variation 1373949 (VCV001373949.6), dbSNP rs764639627, ClinGen allele CA2567346.